The following is an entry in ClinVar:

NM_001754.5(RUNX1):c.*821G>A

Gene: RUNX1 (RUNX family transcription factor 1; minus strand). Cytogenetic location: 21q22.12.
Variant type: single nucleotide variant.
Coding change: c.*821G>A on transcript NM_001754.5 (MANE Select); 821 bases downstream of the stop codon, G replaced by A.
Molecular consequence: 3 prime UTR variant.
Genome position (GRCh38, 1-based): chr21:34,791,314, C>T on the plus strand (G>A on the coding strand, the complement: RUNX1 is on the minus strand). VCF-style: chr21-34791314-C-T. GRCh37 (hg19) VCF-style: chr21-36163611-C-T.
Other names: c.*821G>A (NM_001001890.3).
Identifiers: ClinVar variation 896106 (VCV000896106.5), dbSNP rs968985577, ClinGen allele CA320250606.

ClinVar aggregate classification (germline): Uncertain significance. Review status: reviewed by expert panel (3 of 4 stars). 2 submissions from 2 submitters: Uncertain significance (1). 1 of the submissions does not count toward it. Last evaluated 2025-01-15.

Conditions:
Hereditary thrombocytopenia and hematologic cancer predisposition syndrome. Identifiers: Orphanet 71290, MedGen CN281654, MONDO:0011071.
Hereditary thrombocytopenia and hematological cancer predisposition syndrome associated with RUNX1. Also called: PLATELET DISORDER, ASPIRIN-LIKE; RUNX1 Familial Platelet Disorder with Associated Myeloid Malignancies; Familial Platelet Disorder with Propensity to Acute Myelogenous Leukemia; Familial thrombocytopenia with propensity to acute myelogenous leukemia. Identifiers: Orphanet 71290, MedGen C1832388, MeSH C563324, MONDO:0100083, OMIM 601399.

Allele frequency attached by ClinVar (database versions not stated): TOPMed 0.00001; 1000 Genomes Project 30x 0.00031.

Submissions (2):

ClinGen Myeloid Malignancy Variant Curation Expert Panel
Classification: Uncertain significance for Hereditary thrombocytopenia and hematologic cancer predisposition syndrome. Last evaluated: 2025-01-15. Review status: reviewed by expert panel. Criteria: ClinGen MyeloMalig ACMG Specifications v2. Collection method: curation. Allele origin: germline. Inheritance: Autosomal dominant inheritance.
Comment: NM_001754.5(RUNX1):c.*821G>A is a 3' UTR variant which is completely absent from all population databases with at least 20x coverage for RUNX1 (PM2_Supporting). In summary, the clinical significance of this variant is uncertain. ACMG/AMP criteria applied, as specified by the Myeloid Malignancy Variant Curation Expert Panel for RUNX1: PM2_supporting.

Illumina Laboratory Services, Illumina
Classification: Uncertain significance for Hereditary thrombocytopenia and hematological cancer predisposition syndrome associated with RUNX1. Last evaluated: 2018-01-13. Review status: criteria provided, single submitter. Criteria: ICSL Variant Classification Criteria 13 December 2019. Collection method: clinical testing. Allele origin: germline. Not counted in ClinVar's aggregate classification.